The following is an entry in ClinVar:

NM_000038.6(APC):c.5299G>C (p.Gly1767Arg)

Gene: APC (APC regulator of Wnt signaling pathway; plus strand). Cytogenetic location: 5q22.2.
Variant type: single nucleotide variant.
Coding change: c.5299G>C on transcript NM_000038.6 (MANE Select); coding-DNA position 5299, G replaced by C.
Protein change: p.Gly1767Arg; replaces glycine 1767 with arginine.
Molecular consequence: missense variant.
Genome position (GRCh38, 1-based): chr5:112,840,893, G>C. VCF-style: chr5-112840893-G-C. GRCh37 (hg19) VCF-style: chr5-112176590-G-C.
Other names: c.5299G>C, p.Gly1767Arg (NM_001127510.3, NM_001354895.2); c.5245G>C, p.Gly1749Arg (NM_001127511.3); c.5353G>C, p.Gly1785Arg (NM_001354896.2); c.5329G>C, p.Gly1777Arg (NM_001354897.2); c.5224G>C, p.Gly1742Arg (NM_001354898.2); c.5215G>C, p.Gly1739Arg (NM_001354899.2); c.5176G>C, p.Gly1726Arg (NM_001354900.2); c.5122G>C, p.Gly1708Arg (NM_001354901.2); and 5 more; short protein forms G1749R, G1767R, G1607R, G1641R, G1742R, G1785R, G1676R, G1726R.
Identifiers: ClinVar variation 486736 (VCV000486736.18), dbSNP rs1554086616, ClinGen allele CA16032916.

ClinVar aggregate classification (germline): Uncertain significance. Review status: criteria provided, multiple submitters, no conflicts (2 of 4 stars). 2 submissions from 2 submitters: Uncertain significance (2). Last evaluated 2025-02-07.

Conditions:
Hereditary cancer-predisposing syndrome. Also called: Tumor predisposition; Hereditary Cancer Syndrome; Hereditary neoplastic syndrome; Neoplastic Syndromes, Hereditary. Identifiers: Orphanet 140162, MedGen C0027672, MeSH D009386, MONDO:0015356.
Familial adenomatous polyposis 1 (FAP1). Also called: FAMILIAL ADENOMATOUS POLYPOSIS 1, ATTENUATED; POLYPOSIS, ADENOMATOUS INTESTINAL. Identifiers: MedGen C2713442, MONDO:0021056, OMIM 175100. Disease mechanism: loss of function.

Submissions (2):

Ambry Genetics
Classification: Uncertain significance for Hereditary cancer-predisposing syndrome. Last evaluated: 2025-02-07. Review status: criteria provided, single submitter. Criteria: Ambry Variant Classification Scheme 2023. Collection method: clinical testing. Allele origin: germline.
Comment: The p.G1767R variant (also known as c.5299G>C), located in coding exon 15 of the APC gene, results from a G to C substitution at nucleotide position 5299. The glycine at codon 1767 is replaced by arginine, an amino acid with dissimilar properties. This amino acid position is poorly conserved in available vertebrate species. In addition, in silico predictors for this gene do not accurately predict pathogenicity. Missense alterations in APC are not a common cause of disease (Spier I et al. Genet Med. 2024 Feb;26(2):100992). Based on the available evidence, the clinical significance of this variant remains unclear.

Labcorp Genetics (formerly Invitae), Labcorp
Classification: Uncertain significance for Familial adenomatous polyposis 1. Last evaluated: 2024-08-01. Review status: criteria provided, single submitter. Criteria: Invitae Variant Classification Sherloc (09022015). Collection method: clinical testing. Allele origin: germline.
Comment: This sequence change replaces glycine, which is neutral and non-polar, with arginine, which is basic and polar, at codon 1767 of the APC protein (p.Gly1767Arg). This variant is not present in population databases (gnomAD no frequency). This variant has not been reported in the literature in individuals affected with APC-related conditions. ClinVar contains an entry for this variant (Variation ID: 486736). Advanced modeling of protein sequence and biophysical properties (such as structural, functional, and spatial information, amino acid conservation, physicochemical variation, residue mobility, and thermodynamic stability) performed at Invitae indicates that this missense variant is not expected to disrupt APC protein function with a negative predictive value of 95%. In summary, the available evidence is currently insufficient to determine the role of this variant in disease. Therefore, it has been classified as a Variant of Uncertain Significance.